The following is an entry in ClinVar:

NM_020686.6(ABAT):c.844A>G (p.Lys282Glu)

Gene: ABAT (4-aminobutyrate aminotransferase; plus strand). Cytogenetic location: 16p13.2.
Variant type: single nucleotide variant.
Coding change: c.844A>G on transcript NM_020686.6 (MANE Select); coding-DNA position 844, A replaced by G.
Protein change: p.Lys282Glu; replaces lysine 282 with glutamic acid.
Molecular consequence: missense variant. On other transcripts: intron variant (1).
Genome position (GRCh38, 1-based): chr16:8,772,807, A>G. VCF-style: chr16-8772807-A-G. GRCh37 (hg19) VCF-style: chr16-8866664-A-G.
Other names: c.844A>G, p.Lys282Glu (NM_000663.5, NM_001127448.2, NM_001386600.1 and 6 more transcripts); c.781A>G, p.Lys261Glu (NM_001386606.1, NM_001386607.1); c.751A>G, p.Lys251Glu (NM_001386608.1); c.709A>G, p.Lys237Glu (NM_001386610.1, NM_001386611.1); c.646A>G, p.Lys216Glu (NM_001386612.1, NM_001386613.1); c.598A>G, p.Lys200Glu (NM_001386614.1); c.940A>G, p.Lys314Glu (NM_001386615.1); c.817-12A>G (NM_001386605.1); short protein forms K216E, K261E, K282E, K200E, K237E, K251E, K314E.
Identifiers: ClinVar variation 1382688 (VCV001382688.8), dbSNP rs2142993736, ClinGen allele CA394689244.

ClinVar aggregate classification (germline): Uncertain significance (1 of 4 stars; one submission).

Conditions:
Gamma-aminobutyric acid transaminase deficiency (GABATD). Also called: GABA aminotransaminase deficiency; GABA transaminase deficiency; Gamma aminobutyrate transaminase deficiency; 4 alpha aminobutyrate transaminase deficiency. Identifiers: Orphanet 2066, MedGen C0342708, MONDO:0013166, OMIM 613163.

Allele frequency attached by ClinVar (database versions not stated): gnomAD exomes below 0.00001.
gnomAD v4.1: 1 of 1,614,118 alleles (0.000062%); highest among the groups gnomAD compares: Non-Finnish European, 0.000085%; no homozygotes.

Submission:

Labcorp Genetics (formerly Invitae), Labcorp
Classification: Uncertain significance for Gamma-aminobutyric acid transaminase deficiency. Last evaluated: 2021-03-27. Review status: criteria provided, single submitter. Criteria: Invitae Variant Classification Sherloc (09022015). Collection method: clinical testing. Allele origin: germline.
Comment: This sequence change replaces lysine with glutamic acid at codon 282 of the ABAT protein (p.Lys282Glu). The lysine residue is moderately conserved and there is a small physicochemical difference between lysine and glutamic acid. This variant is not present in population databases (ExAC no frequency). In summary, the available evidence is currently insufficient to determine the role of this variant in disease. Therefore, it has been classified as a Variant of Uncertain Significance. Algorithms developed to predict the effect of missense changes on protein structure and function (SIFT, PolyPhen-2, Align-GVGD) all suggest that this variant is likely to be tolerated, but these predictions have not been confirmed by published functional studies and their clinical significance is uncertain. This variant has not been reported in the literature in individuals with ABAT-related conditions.